The following is an entry in ClinVar:

NM_001297.5(CNGB1):c.411A>G (p.Thr137=)

Gene: CNGB1 (cyclic nucleotide gated channel subunit beta 1; minus strand). Cytogenetic location: 16q21.
Variant type: single nucleotide variant.
Coding change: c.411A>G on transcript NM_001297.5 (MANE Select); coding-DNA position 411, A replaced by G.
Protein change: p.Thr137=; no amino-acid change (threonine 137 retained).
Molecular consequence: synonymous variant.
Genome position (GRCh38, 1-based): chr16:57,962,843, T>C on the plus strand (A>G on the coding strand, the complement: CNGB1 is on the minus strand). VCF-style: chr16-57962843-T-C. GRCh37 (hg19) VCF-style: chr16-57996747-T-C.
Other names: c.411A>G, p.Thr137= (NM_001135639.2, NM_001286130.2).
Identifiers: ClinVar variation 1026097 (VCV001026097.8), dbSNP rs749051441, ClinGen allele CA8083852.

ClinVar aggregate classification (germline): Uncertain significance (1 of 4 stars; one submission).

Allele frequency attached by ClinVar (database versions not stated): ExAC 0.00001; gnomAD exomes 0.00001; TOPMed 0.00002.
gnomAD v4.1: 3 of 1,612,760 alleles (0.00019%); highest among the groups gnomAD compares: African/African-American, 0.0013%; no homozygotes.

Submission:

Labcorp Genetics (formerly Invitae), Labcorp
Classification: Uncertain significance. Last evaluated: 2022-08-23. Review status: criteria provided, single submitter. Criteria: Invitae Variant Classification Sherloc (09022015). Collection method: clinical testing. Allele origin: germline.
Comment: This variant has not been reported in the literature in individuals affected with CNGB1-related conditions. ClinVar contains an entry for this variant (Variation ID: 1026097). Algorithms developed to predict the effect of sequence changes on RNA splicing suggest that this variant may disrupt the consensus splice site. In summary, the available evidence is currently insufficient to determine the role of this variant in disease. Therefore, it has been classified as a Variant of Uncertain Significance. This variant is present in population databases (rs749051441, gnomAD 0.007%). This sequence change affects codon 137 of the CNGB1 mRNA. It is a 'silent' change, meaning that it does not change the encoded amino acid sequence of the CNGB1 protein. It affects a nucleotide within the consensus splice site.